The following is an entry in ClinVar:

NM_000535.7(PMS2):c.1565G>T (p.Ser522Ile)

Gene: PMS2 (PMS1 homolog 2, mismatch repair system component; minus strand). Cytogenetic location: 7p22.1.
Variant type: single nucleotide variant.
Coding change: c.1565G>T on transcript NM_000535.7 (MANE Select); coding-DNA position 1565, G replaced by T.
Protein change: p.Ser522Ile; replaces serine 522 with isoleucine.
Molecular consequence: missense variant. On other transcripts: non-coding transcript variant (1).
Genome position (GRCh38, 1-based): chr7:5,987,200, C>A on the plus strand (G>T on the coding strand, the complement: PMS2 is on the minus strand). VCF-style: chr7-5987200-C-A. GRCh37 (hg19) VCF-style: chr7-6026831-C-A.
Other names: c.1160G>T, p.Ser387Ile (NM_001018040.1, NM_001322003.2, NM_001322004.2 and 17 more transcripts); c.1409G>T, p.Ser470Ile (NM_001322006.2, NM_001406870.1); c.1247G>T, p.Ser416Ile (NM_001322007.2, NM_001322008.2, NM_001406876.1 and 2 more transcripts); c.1004G>T, p.Ser335Ile (NM_001322010.2, NM_001406906.1, NM_001406907.1); c.632G>T, p.Ser211Ile (NM_001322011.2, NM_001322012.2); c.992G>T, p.Ser331Ile (NM_001322013.2, NM_001406909.1); c.1565G>T, p.Ser522Ile (NM_001322014.2, NM_001406871.1, NM_001406872.1); c.1256G>T, p.Ser419Ile (NM_001322015.2, NM_001406875.1, NM_001406877.1 and 5 more transcripts); and 12 more; short protein forms S211I, S351I, S364I, S470I, S522I, S530I, S367I, S400I.
Identifiers: ClinVar variation 1775356 (VCV001775356.3), dbSNP rs1783049434, ClinGen allele CA366741578.
Genomic context (GRCh38, chr7:5,987,200, plus strand): 5'-GTTTTAGGCGCTTTCTCCTGAGAGTCCACATGTTCCTGCGAGCCCCTGTCCCCTGGGGAG[C>A]TGGCCGCATACTCGCTGCTGCAGTGACTGCCCGTGTCTGGGATGCTGAACCCCTCAGAAT-3'
Protein context (NP_000526.2, residues 512-532): GSHCSSEYAA[Ser522Ile]SPGDRGSQEH

ClinVar aggregate classification (germline): Uncertain significance (1 of 4 stars; one submission).

Conditions:
Hereditary cancer-predisposing syndrome. Also called: Hereditary Cancer Syndrome; Hereditary neoplastic syndrome; Neoplastic Syndromes, Hereditary; Tumor predisposition. Identifiers: Orphanet 140162, MedGen C0027672, MeSH D009386, MONDO:0015356.

gnomAD v4.1: 1 of 1,614,116 alleles (0.000062%); highest among the groups gnomAD compares: Non-Finnish European, 0.000085%; no homozygotes.

Submission:

Ambry Genetics
Classification: Uncertain significance for Hereditary cancer-predisposing syndrome. Last evaluated: 2025-04-22. Review status: criteria provided, single submitter. Criteria: Ambry Variant Classification Scheme 2023. Collection method: clinical testing. Allele origin: germline.
Comment: The p.S522I variant (also known as c.1565G>T), located in coding exon 11 of the PMS2 gene, results from a G to T substitution at nucleotide position 1565. The serine at codon 522 is replaced by isoleucine, an amino acid with dissimilar properties. This amino acid position is not well conserved in available vertebrate species. In addition, this alteration is predicted to be tolerated by in silico analysis. Based on the available evidence, the clinical significance of this variant remains unclear.